The following is an entry in ClinVar:

ClinVar aggregate classification (germline): Uncertain significance. Review status: criteria provided, multiple submitters, no conflicts (2 of 4 stars). 2 submissions from 2 submitters: Uncertain significance (2). Last evaluated 2026-05-04.

Conditions:
Hereditary cancer-predisposing syndrome. Also called: Neoplastic Syndromes, Hereditary; Tumor predisposition; Hereditary Cancer Syndrome; Hereditary neoplastic syndrome. Identifiers: Orphanet 140162, MedGen C0027672, MeSH D009386, MONDO:0015356.

Allele frequency attached by ClinVar (database versions not stated): gnomAD exomes below 0.00001.
gnomAD v4.1: 7 of 1,613,956 alleles (0.00043%); highest among the groups gnomAD compares: Non-Finnish European, 0.00051%; no homozygotes.

Submissions (2):

Ambry Genetics
Classification: Uncertain significance for Hereditary cancer-predisposing syndrome. Last evaluated: 2026-05-04. Review status: criteria provided, single submitter. Criteria: Ambry Variant Classification Scheme 2023. Collection method: clinical testing. Allele origin: germline.
Comment: The p.C124Y variant (also known as c.371G>A), located in coding exon 3 of the MSH3 gene, results from a G to A substitution at nucleotide position 371. The cysteine at codon 124 is replaced by tyrosine, an amino acid with highly dissimilar properties. This amino acid position is conserved. In addition, this alteration is predicted to be tolerated by in silico analysis. Based on the available evidence, the clinical significance of this variant remains unclear.

Labcorp Genetics (formerly Invitae), Labcorp
Classification: Uncertain significance. Last evaluated: 2025-11-26. Review status: criteria provided, single submitter. Criteria: Invitae Variant Classification Sherloc (09022015). Collection method: clinical testing. Allele origin: germline.
Comment: This sequence change replaces cysteine, which is neutral and slightly polar, with tyrosine, which is neutral and polar, at codon 124 of the MSH3 protein (p.Cys124Tyr). This variant is not present in population databases (gnomAD no frequency). This variant has not been reported in the literature in individuals affected with MSH3-related conditions. ClinVar contains an entry for this variant (Variation ID: 1924995). An algorithm developed to predict the effect of missense changes on protein structure and function (PolyPhen-2) suggests that this variant is likely to be tolerated. In summary, the available evidence is currently insufficient to determine the role of this variant in disease. Therefore, it has been classified as a Variant of Uncertain Significance.

NM_002439.5(MSH3):c.371G>A (p.Cys124Tyr)

Gene: MSH3 (mutS homolog 3; plus strand). Cytogenetic location: 5q14.1.
Variant type: single nucleotide variant.
Coding change: c.371G>A on transcript NM_002439.5 (MANE Select); coding-DNA position 371, G replaced by A.
Protein change: p.Cys124Tyr; replaces cysteine 124 with tyrosine.
Molecular consequence: missense variant.
Genome position (GRCh38, 1-based): chr5:80,665,155, G>A. VCF-style: chr5-80665155-G-A. GRCh37 (hg19) VCF-style: chr5-79960974-G-A.
Other names: c.371G>A (NM_002439.3); short protein forms C124Y.
Identifiers: ClinVar variation 1924995 (VCV001924995.6), dbSNP rs2546717323, ClinGen allele CA360262976.
Genomic context (GRCh38, chr5:80,665,155, plus strand): 5'-GAGACCAAAATTACTATTGTTCTGTTTTCTTCTTATTTGCTGCCTAAGAGCCAAAGAAAT[G>A]TCTGAGGACCAGGAATGTTTCAAAGTCTCTGGAAAAATTGAAAGAATTCTGCTGCGATTC-3'
Protein context (NP_002430.3, residues 114-134): GMSGNSEPKK[Cys124Tyr]LRTRNVSKSL